The following is an entry in ClinVar:

ClinVar aggregate classification (germline): Pathogenic (1 of 4 stars; one submission).

Conditions:
Multiple endocrine neoplasia, type 1 (MEN1). Also called: MEN I; WERMER SYNDROME; Endocrine adenomatosis multiple; MEN 1; MEA I. Identifiers: Orphanet 652, MedGen C0025267, MeSH D018761, MONDO:0007540, OMIM 131100.

Submission:

Labcorp Genetics (formerly Invitae), Labcorp
Classification: Pathogenic for Multiple endocrine neoplasia, type 1. Last evaluated: 2020-03-18. Review status: criteria provided, single submitter. Criteria: Invitae Variant Classification Sherloc (09022015). Collection method: clinical testing. Allele origin: germline.
Comment: Loss-of-function variants in MEN1 are known to be pathogenic (PMID: 12112656, 17853334). This sequence change creates a premature translational stop signal (p.Tyr312*) in the MEN1 gene. It is expected to result in an absent or disrupted protein product. This variant is not present in population databases (ExAC no frequency). This variant has been observed in individuals with multiple endocrine neoplasia type 1 (PMID: 9215689, 9832038). For these reasons, this variant has been classified as Pathogenic.

Literature cited by the submitters: PubMed 12112656; PubMed 17853334; PubMed 9215689; PubMed 9832038.

NM_001370259.2(MEN1):c.936C>A (p.Tyr312Ter)

Gene: MEN1 (menin 1; minus strand). Cytogenetic location: 11q13.1.
Variant type: single nucleotide variant.
Coding change: c.936C>A on transcript NM_001370259.2 (MANE Select); coding-DNA position 936, C replaced by A.
Protein change: p.Tyr312Ter; replaces tyrosine 312 with a stop codon.
Molecular consequence: nonsense.
Genome position (GRCh38, 1-based): chr11:64,806,345, G>T on the plus strand (C>A on the coding strand, the complement: MEN1 is on the minus strand). VCF-style: chr11-64806345-G-T. GRCh37 (hg19) VCF-style: chr11-64573817-G-T.
Other names: c.951C>A, p.Tyr317Ter (NM_000244.4, NM_130800.3, NM_130801.3 and 3 more transcripts); c.936C>A, p.Tyr312Ter (NM_001370251.2, NM_001370260.2, NM_001370261.2 and 1 more transcripts); c.831C>A, p.Tyr277Ter (NM_001370262.2, NM_001370263.2); short protein forms Y277*, Y312*, Y317*.
Identifiers: ClinVar variation 1070314 (VCV001070314.9), dbSNP rs386134260, ClinGen allele CA381183414.
Genomic context (GRCh38, chr11:64,806,345, plus strand): 5'-GCGGTTGCGACAGTGGTAGCCAGCCAGGTACATGTAGGGGTAGATGTGTTCATCCCGATA[G>T]TAGGTCTTGGCTGAGGCAATGCCCTGGATGGAGGTGAGGCAGAGGATCCTCAGGGAGGCA-3'